The following is an entry in ClinVar:

NM_002303.6(LEPR):c.974C>T (p.Pro325Leu)

Gene: LEPR (leptin receptor; plus strand). Cytogenetic location: 1p31.3.
Variant type: single nucleotide variant.
Coding change: c.974C>T on transcript NM_002303.6 (MANE Select); coding-DNA position 974, C replaced by T.
Protein change: p.Pro325Leu; replaces proline 325 with leucine.
Molecular consequence: missense variant.
Genome position (GRCh38, 1-based): chr1:65,598,784, C>T. VCF-style: chr1-65598784-C-T. GRCh37 (hg19) VCF-style: chr1-66064467-C-T.
Other names: c.974C>T, p.Pro325Leu (NM_001003679.3, NM_001003680.3, NM_001198687.2 and 2 more transcripts); short protein forms P325L.
Identifiers: ClinVar variation 1499389 (VCV001499389.6), dbSNP rs1656249693, ClinGen allele CA340680491.

ClinVar aggregate classification (germline): Uncertain significance (1 of 4 stars; one submission).

Allele frequency attached by ClinVar (database versions not stated): gnomAD exomes below 0.00001; TOPMed below 0.00001.
gnomAD v4.1: 2 of 1,613,302 alleles (0.00012%); highest among the groups gnomAD compares: Non-Finnish European, 0.00017%; no homozygotes.

Submission:

Labcorp Genetics (formerly Invitae), Labcorp
Classification: Uncertain significance. Last evaluated: 2023-08-30. Review status: criteria provided, single submitter. Criteria: Invitae Variant Classification Sherloc (09022015). Collection method: clinical testing. Allele origin: germline.
Comment: This sequence change replaces proline, which is neutral and non-polar, with leucine, which is neutral and non-polar, at codon 325 of the LEPR protein (p.Pro325Leu). This variant is not present in population databases (gnomAD no frequency). This variant has not been reported in the literature in individuals affected with LEPR-related conditions. ClinVar contains an entry for this variant (Variation ID: 1499389). Advanced modeling of protein sequence and biophysical properties (such as structural, functional, and spatial information, amino acid conservation, physicochemical variation, residue mobility, and thermodynamic stability) performed at Invitae indicates that this missense variant is not expected to disrupt LEPR protein function. In summary, the available evidence is currently insufficient to determine the role of this variant in disease. Therefore, it has been classified as a Variant of Uncertain Significance.